The following is an entry in ClinVar:

ClinVar aggregate classification (germline): Conflicting classifications of pathogenicity. Review status: criteria provided, conflicting classifications (1 of 4 stars). 2 submissions from 2 submitters: Uncertain significance (1); Likely benign (1). Last evaluated 2025-11-03.

Conditions:
Achondrogenesis, type IA (ACG1A). Identifiers: Orphanet 932, Orphanet 93299, MedGen C0265273, MONDO:0008701, OMIM 200600.
Inborn genetic diseases. Identifiers: MedGen C0950123, MeSH D030342.

Allele frequency attached by ClinVar (database versions not stated): gnomAD exomes 0.00001; ExAC 0.00005; gnomAD 0.00011; TOPMed 0.00011.

Submissions (2):

Labcorp Genetics (formerly Invitae), Labcorp
Classification: Uncertain significance for Achondrogenesis, type IA. Last evaluated: 2025-11-03. Review status: criteria provided, single submitter. Criteria: Invitae Variant Classification Sherloc (09022015). Collection method: clinical testing. Allele origin: germline.
Comment: This sequence change replaces arginine, which is basic and polar, with lysine, which is basic and polar, at codon 1473 of the TRIP11 protein (p.Arg1473Lys). This variant is present in population databases (rs748241066, gnomAD 0.03%). This variant has not been reported in the literature in individuals affected with TRIP11-related conditions. ClinVar contains an entry for this variant (Variation ID: 2083995). Invitae Evidence Modeling of protein sequence and biophysical properties (such as structural, functional, and spatial information, amino acid conservation, physicochemical variation, residue mobility, and thermodynamic stability) indicates that this missense variant is not expected to disrupt TRIP11 protein function with a negative predictive value of 80%. In summary, the available evidence is currently insufficient to determine the role of this variant in disease. Therefore, it has been classified as a Variant of Uncertain Significance.

Ambry Genetics
Classification: Likely benign for Inborn genetic diseases. Last evaluated: 2025-01-29. Review status: criteria provided, single submitter. Criteria: Ambry Variant Classification Scheme 2023. Collection method: clinical testing. Allele origin: germline.

NM_004239.4(TRIP11):c.4418G>A (p.Arg1473Lys)

Gene: TRIP11 (thyroid hormone receptor interactor 11; minus strand). Cytogenetic location: 14q32.12.
Variant type: single nucleotide variant.
Coding change: c.4418G>A on transcript NM_004239.4 (MANE Select); coding-DNA position 4418, G replaced by A.
Protein change: p.Arg1473Lys; replaces arginine 1473 with lysine.
Molecular consequence: missense variant.
Genome position (GRCh38, 1-based): chr14:92,003,558, C>T on the plus strand (G>A on the coding strand, the complement: TRIP11 is on the minus strand). VCF-style: chr14-92003558-C-T. GRCh37 (hg19) VCF-style: chr14-92469902-C-T.
Other names: c.4418G>A (NM_004239.3); c.4415G>A, p.Arg1472Lys (NM_001321851.1); short protein forms R1473K, R1472K.
Identifiers: ClinVar variation 2083995 (VCV002083995.5), dbSNP rs748241066, ClinGen allele CA7313461.
Genomic context (GRCh38, chr14:92,003,558, plus strand): 5'-AGCATCATAGAAAACTTCATGTTAGTCTCTTGTAACGCTTGATATTCTGTTTCCTTTCCC[C>T]TGTATGTTTCCACTATTTTTTCATTTTCTCCTTTTAGTTTGCCAATGTCCATCTCTAGAA-3'
Protein context (NP_004230.2, residues 1463-1483): GENEKIVETY[Arg1473Lys]GKETEYQALQ